The following is an entry in ClinVar:

ClinVar aggregate classification (germline): Uncertain significance (1 of 4 stars; one submission).

Conditions:
Charcot-Marie-Tooth disease dominant intermediate C (CMTDIC). Also called: CHARCOT-MARIE-TOOTH NEUROPATHY, DOMINANT INTERMEDIATE C. Identifiers: Orphanet 100045, MedGen C1842237, MONDO:0012012, OMIM 608323.

Submission:

Labcorp Genetics (formerly Invitae), Labcorp
Classification: Uncertain significance for Charcot-Marie-Tooth disease dominant intermediate C. Last evaluated: 2024-05-12. Review status: criteria provided, single submitter. Criteria: Invitae Variant Classification Sherloc (09022015). Collection method: clinical testing. Allele origin: germline.
Comment: This sequence change creates a premature translational stop signal (p.Lys246*) in the YARS gene. It is expected to result in an absent or disrupted protein product. However, the current clinical and genetic evidence is not sufficient to establish whether loss-of-function variants in YARS cause disease. This variant is not present in population databases (gnomAD no frequency). This variant has not been reported in the literature in individuals affected with YARS-related conditions. Algorithms developed to predict the effect of sequence changes on RNA splicing suggest that this variant may disrupt the consensus splice site. In summary, the available evidence is currently insufficient to determine the role of this variant in disease. Therefore, it has been classified as a Variant of Uncertain Significance.

NM_003680.4(YARS1):c.734_735dup (p.Lys246Ter)

Genes: YARS1 (tyrosyl-tRNA synthetase 1; minus strand), LOC126805688 (BRD4-independent group 4 enhancer GRCh37_chr1:33251929-33253128; plus strand). Cytogenetic location: 1p35.1.
Variant type: Duplication.
Coding change: c.734_735dup on transcript NM_003680.4 (MANE Select); coding-DNA positions 734 to 735, 2 bases duplicated (TG; older notation c.734_735dupTG).
Protein change: p.Lys246Ter; replaces lysine 246 with a stop codon.
Molecular consequence: nonsense.
Genome position (GRCh38, 1-based): chr1:32,787,025-32,787,026, CA duplicated on the plus strand (TG on the coding strand, the reverse complement: YARS1 is on the minus strand). VCF-style (leftmost placement, unchanged base first): chr1-32787024-T-TCA. GRCh37 (hg19) VCF-style: chr1-33252625-T-TCA.
Other names: short protein forms K246*.
Identifiers: ClinVar variation 3668151 (VCV003668151.2).